The following is an entry in ClinVar:

NM_021971.4(GMPPB):c.311T>C (p.Phe104Ser)

Gene: GMPPB (GDP-mannose pyrophosphorylase B; minus strand). Cytogenetic location: 3p21.31.
Variant type: single nucleotide variant.
Coding change: c.311T>C on transcript NM_021971.4 (MANE Select); coding-DNA position 311, T replaced by C.
Protein change: p.Phe104Ser; replaces phenylalanine 104 with serine.
Molecular consequence: missense variant.
Genome position (GRCh38, 1-based): chr3:49,723,063, A>G on the plus strand (T>C on the coding strand, the complement: GMPPB is on the minus strand). VCF-style: chr3-49723063-A-G. GRCh37 (hg19) VCF-style: chr3-49760496-A-G.
Other names: c.311T>C, p.Phe104Ser (NM_013334.4); short protein forms F104S.
Identifiers: ClinVar variation 3372616 (VCV003372616.1).

ClinVar aggregate classification (germline): Uncertain significance (1 of 4 stars; one submission).

Submission:

GeneDx
Classification: Uncertain significance. Last evaluated: 2024-04-15. Review status: criteria provided, single submitter. Criteria: GeneDx Variant Classification Process June 2021. Collection method: clinical testing. Allele origin: germline. Affected: yes.
Comment: Not observed at significant frequency in large population cohorts (gnomAD); In silico analysis supports that this missense variant has a deleterious effect on protein structure/function; Has not been previously published as pathogenic or benign to our knowledge